The following is an entry in ClinVar:

ClinVar aggregate classification (germline): Uncertain significance (1 of 4 stars; one submission).

Conditions:
NRP1-related disorder. Also called: NRP1-related condition.

gnomAD v4.1: 1 of 1,614,088 alleles (0.000062%); highest among the groups gnomAD compares: Non-Finnish European, 0.000085%; no homozygotes.

Submission:

PreventionGenetics, part of Exact Sciences
Classification: Uncertain significance for NRP1-related condition. Last evaluated: 2026-07-01. Review status: criteria provided, single submitter. Criteria: ACMG Guidelines, 2015. Collection method: clinical testing. Allele origin: germline.
Comment: The NRP1 c.1483G>C variant is predicted to result in the amino acid substitution p.Val495Leu. To our knowledge, this variant has not been reported in the literature or in a large population database (gnomAD), indicating this variant is rare. At this time, the clinical significance of this variant is uncertain due to the absence of conclusive functional and genetic evidence.

NM_003873.7(NRP1):c.1483G>C (p.Val495Leu)

Gene: NRP1 (neuropilin 1; minus strand). Cytogenetic location: 10p11.22.
Variant type: single nucleotide variant.
Coding change: c.1483G>C on transcript NM_003873.7 (MANE Select); coding-DNA position 1483, G replaced by C.
Protein change: p.Val495Leu; replaces valine 495 with leucine.
Molecular consequence: missense variant. On other transcripts: non-coding transcript variant (1).
Genome position (GRCh38, 1-based): chr10:33,213,517, C>G on the plus strand (G>C on the coding strand, the complement: NRP1 is on the minus strand). VCF-style: chr10-33213517-C-G. GRCh37 (hg19) VCF-style: chr10-33502445-C-G.
Other names: c.1483G>C, p.Val495Leu (NM_001024628.3, NM_001024629.3, NM_001244972.2 and 2 more transcripts); short protein forms V495L.
Identifiers: ClinVar variation 4997028 (VCV004997028.1).